The following is an entry in ClinVar:

NM_001354604.2(MITF):c.669G>A (p.Met223Ile)

Gene: MITF (melanocyte inducing transcription factor; plus strand). Cytogenetic location: 3p13.
Variant type: single nucleotide variant.
Coding change: c.669G>A on transcript NM_001354604.2 (MANE Select); coding-DNA position 669, G replaced by A.
Protein change: p.Met223Ile; replaces methionine 223 with isoleucine.
Molecular consequence: missense variant.
Genome position (GRCh38, 1-based): chr3:69,941,238, G>A. VCF-style: chr3-69941238-G-A. GRCh37 (hg19) VCF-style: chr3-69990389-G-A.
Other names: c.348G>A, p.Met116Ile (NM_000248.4, NM_198158.3); c.513G>A, p.Met171Ile (NM_001184967.2, NM_001354608.2); c.666G>A, p.Met222Ile (NM_001354605.2, NM_001354606.2, NM_006722.3); c.618G>A, p.Met206Ile (NM_001354607.2); c.669G>A, p.Met223Ile (NM_198159.3); c.621G>A, p.Met207Ile (NM_198177.3); c.180G>A, p.Met60Ile (NM_198178.3); short protein forms M116I, M222I, M223I, M206I, M60I, M171I, M207I.
Identifiers: ClinVar variation 547529 (VCV000547529.8), dbSNP rs1032758072, ClinGen allele CA77000890.

ClinVar aggregate classification (germline): Conflicting classifications of pathogenicity. Review status: criteria provided, conflicting classifications (1 of 4 stars). 4 submissions from 4 submitters: Uncertain significance (3); Likely benign (1). Last evaluated 2026-01-05.

Conditions:
MITF-related disorder. Also called: MITF-related condition.
Waardenburg syndrome type 2A (WS2A). Also called: WAARDENBURG SYNDROME WITHOUT DYSTOPIA CANTHORUM. Identifiers: Orphanet 3440, MedGen C1860339, MONDO:0008671, OMIM 193510.
Melanoma, cutaneous malignant, susceptibility to, 8. Also called: Cutaneous malignant melanoma 8; MELANOMA AND RENAL CELL CARCINOMA, SUSCEPTIBILITY TO. Identifiers: Orphanet 293822, MedGen C3152204, MONDO:0013759, OMIM 614456.
Tietz syndrome (TADS). Also called: ALBINISM-DEAFNESS OF TIETZ; HYPOPIGMENTATION/DEAFNESS OF TIETZ; TIETZ ALBINISM-DEAFNESS SYNDROME. Identifiers: Orphanet 42665, MedGen C0391816, MONDO:0007077, OMIM 103500.

Allele frequency attached by ClinVar (database versions not stated): TOPMed 0.00001; gnomAD exomes 0.00003.
gnomAD v4.1: 38 of 1,597,310 alleles (0.0024%); highest among the groups gnomAD compares: Non-Finnish European, 0.0033%; no homozygotes.

Submissions (4):

PreventionGenetics, part of Exact Sciences
Classification: Uncertain significance for MITF-related condition. Last evaluated: 2026-01-05. Review status: criteria provided, single submitter. Criteria: ACMG Guidelines, 2015. Collection method: clinical testing. Allele origin: germline.
Comment: The MITF c.348G>A variant is predicted to result in the amino acid substitution p.Met116Ile. To our knowledge, this variant has not been reported in the literature or in a large population database (gnomAD), indicating this variant is rare. This variant has conflicting interpretations regarding its pathogenicity in ClinVar, ranging from likely benign to uncertain (Variation ID: 547529). At this time, the clinical significance of this variant is uncertain due to the absence of conclusive functional and genetic evidence.

Labcorp Genetics (formerly Invitae), Labcorp
Classification: Uncertain significance for Melanoma, cutaneous malignant, susceptibility to, 8; Waardenburg syndrome type 2A; Tietz syndrome. Last evaluated: 2025-06-03. Review status: criteria provided, single submitter. Criteria: Invitae Variant Classification Sherloc (09022015). Collection method: clinical testing. Allele origin: germline.
Comment: This sequence change replaces methionine, which is neutral and non-polar, with isoleucine, which is neutral and non-polar, at codon 116 of the MITF protein (p.Met116Ile). This variant is not present in population databases (gnomAD no frequency). This variant has not been reported in the literature in individuals affected with MITF-related conditions. ClinVar contains an entry for this variant (Variation ID: 547529). An algorithm developed to predict the effect of missense changes on protein structure and function (PolyPhen-2) suggests that this variant is likely to be tolerated. In summary, the available evidence is currently insufficient to determine the role of this variant in disease. Therefore, it has been classified as a Variant of Uncertain Significance.

GeneDx
Classification: Uncertain significance. Last evaluated: 2024-03-20. Review status: criteria provided, single submitter. Criteria: GeneDx Variant Classification Process June 2021. Collection method: clinical testing. Allele origin: germline. Affected: yes.
Comment: Not observed at significant frequency in large population cohorts (gnomAD); In silico analysis supports that this missense variant does not alter protein structure/function; Has not been previously published as pathogenic or benign to our knowledge; In silico analysis suggests this variant may impact gene splicing. In the absence of RNA/functional studies, the actual effect of this sequence change is unknown; This variant is associated with the following publications: (PMID: 27640074)

Center for Human Genetics, Inc
Classification: Likely benign for Waardenburg syndrome type 2A. Last evaluated: 2016-11-01. Review status: criteria provided, single submitter. Criteria: ACMG Guidelines, 2015. Collection method: clinical testing. Allele origin: germline. Affected: yes.